The following is an entry in ClinVar:

ClinVar aggregate classification (germline): Likely benign. Review status: criteria provided, multiple submitters, no conflicts (2 of 4 stars). 3 submissions from 3 submitters: Likely benign (3). Last evaluated 2024-11-01.

Conditions:
Meckel-Gruber syndrome. Also called: Dysencephalia splachnocystica; DYSENCEPHALIA SPLANCHNOCYSTICA; GRUBER SYNDROME. Identifiers: Orphanet 564, MedGen C0265215, MONDO:0018921.
Joubert syndrome. Also called: JOUBERT-BOLTSHAUSER SYNDROME; Familial aplasia of the vermis. Identifiers: Orphanet 475, MedGen C5979921, MONDO:0018772.

Allele frequency attached by ClinVar (database versions not stated): ExAC 0.00001; gnomAD 0.00001; gnomAD exomes 0.00001 and 0.00004; TOPMed 0.00001.

Submissions (3):

CeGaT Center for Human Genetics Tuebingen
Classification: Likely benign. Last evaluated: 2024-11-01. Review status: criteria provided, single submitter. Criteria: CeGaT Center For Human Genetics Tuebingen Variant Classification Criteria Version 2. Collection method: clinical testing. Allele origin: germline. Affected: yes. Observed: 1 variant allele.
Comment: TCTN2: BP4, BP7

Blueprint Genetics
Classification: Likely benign. Last evaluated: 2024-02-02. Review status: criteria provided, single submitter. Criteria: ACMG Guidelines, 2015. Collection method: clinical testing. Allele origin: germline.

Labcorp Genetics (formerly Invitae), Labcorp
Classification: Likely benign for Joubert syndrome; Meckel-Gruber syndrome. Last evaluated: 2021-03-28. Review status: criteria provided, single submitter. Criteria: Invitae Variant Classification Sherloc (09022015). Collection method: clinical testing. Allele origin: germline.

NM_024809.5(TCTN2):c.207G>A (p.Pro69=)

Gene: TCTN2 (tectonic family member 2; plus strand). Cytogenetic location: 12q24.31.
Variant type: single nucleotide variant.
Coding change: c.207G>A on transcript NM_024809.5 (MANE Select); coding-DNA position 207, G replaced by A.
Protein change: p.Pro69=; no amino-acid change (proline 69 retained).
Molecular consequence: synonymous variant.
Genome position (GRCh38, 1-based): chr12:123,672,072, G>A. VCF-style: chr12-123672072-G-A. GRCh37 (hg19) VCF-style: chr12-124156619-G-A.
Other names: c.207G>A, p.Pro69= (NM_001143850.3).
Identifiers: ClinVar variation 1649134 (VCV001649134.18), dbSNP rs775096865, ClinGen allele CA6860823.
Genomic context (GRCh38, chr12:123,672,072, plus strand): 5'-CTGCTGGACCTTGCTGCCTTTGCATGCTGGTCTTCTTTCTTTAGGAATATTGCCAATTCC[G>A]ACGTGTGGAGTGCTGAACAATGAGACGGAAGACTGGAGCGTGACTGTGATCCCCGGTGCG-3'
Protein context (NP_079085.2, residues 59-79): LQDEAGILPI[Pro69=]TCGVLNNETE